The following is an entry in ClinVar:

NM_001005273.3(CHD3):c.3797G>A (p.Arg1266Gln)

Gene: CHD3 (chromodomain helicase DNA binding protein 3; plus strand). Cytogenetic location: 17p13.1.
Variant type: single nucleotide variant.
Coding change: c.3797G>A on transcript NM_001005273.3 (MANE Select); coding-DNA position 3797, G replaced by A.
Protein change: p.Arg1266Gln; replaces arginine 1266 with glutamine.
Molecular consequence: missense variant.
Genome position (GRCh38, 1-based): chr17:7,903,894, G>A. VCF-style: chr17-7903894-G-A. GRCh37 (hg19) VCF-style: chr17-7807212-G-A.
Other names: c.3974G>A, p.Arg1325Gln (NM_001005271.3); c.3797G>A, p.Arg1266Gln (NM_005852.4); short protein forms R1266Q, R1325Q.
Identifiers: ClinVar variation 1709062 (VCV001709062.5), dbSNP rs2545017819, ClinGen allele CA397943578.

ClinVar aggregate classification (germline): Uncertain significance. Review status: criteria provided, multiple submitters, no conflicts (2 of 4 stars). 2 submissions from 2 submitters: Uncertain significance (2). Last evaluated 2021-12-31.

Conditions:
Snijders Blok-Campeau syndrome. Also called: INTELLECTUAL DEVELOPMENTAL DISORDER WITH MACROCEPHALY, SPEECH DELAY, AND DYSMORPHIC FACIES. Identifiers: Orphanet 599082, MedGen C4748701, MONDO:0032600, OMIM 618205.

Submissions (2):

MGZ Medical Genetics Center
Classification: Uncertain significance for Snijders Blok-Campeau syndrome. Last evaluated: 2021-12-31. Review status: criteria provided, single submitter. Criteria: ACMG Guidelines, 2015. Collection method: clinical testing. Allele origin: germline. Affected: yes. Observed: 2 variant alleles.
Comment: ACMG criteria applied: PM1, PM2_SUP, PP2, PP3

Revvity Omics, Revvity
Classification: Uncertain significance for Snijders Blok-Campeau syndrome. Last evaluated: 2021-08-17. Review status: criteria provided, single submitter. Criteria: ACMG Guidelines, 2015. Collection method: clinical testing. Allele origin: germline.